The following is an entry in ClinVar:

NM_183235.3(RAB27A):c.275C>T (p.Ala92Val)

Gene: RAB27A (RAB27A, member RAS oncogene family; minus strand). Cytogenetic location: 15q21.3.
Variant type: single nucleotide variant.
Coding change: c.275C>T on transcript NM_183235.3 (MANE Select); coding-DNA position 275, C replaced by T.
Protein change: p.Ala92Val; replaces alanine 92 with valine.
Molecular consequence: missense variant.
Genome position (GRCh38, 1-based): chr15:55,228,677, G>A on the plus strand (C>T on the coding strand, the complement: RAB27A is on the minus strand). VCF-style: chr15-55228677-G-A. GRCh37 (hg19) VCF-style: chr15-55520875-G-A.
Other names: c.275C>T, p.Ala92Val (NM_183234.3, NM_183236.3, NM_004580.5); short protein forms A92V.
Identifiers: ClinVar variation 566199 (VCV000566199.8), dbSNP rs137960099, ClinGen allele CA7573625.
Genomic context (GRCh38, chr15:55,228,677, plus strand): 5'-TTTCTGACATTGAGGAAACTTTGCTCATTTGTCAGATCAAAAAGTAGAAGAAAACCCATA[G>A]CATCTCTGAAGAACGCTGTCGTTAAGCTACGAAACCTAGGAACATAAAAGCAGAATGGTC-3'
Protein context (NP_899058.1, residues 82-102): RSLTTAFFRD[Ala92Val]MGFLLLFDLT

ClinVar aggregate classification (germline): Uncertain significance. Review status: criteria provided, multiple submitters, no conflicts (2 of 4 stars). 3 submissions from 3 submitters: Uncertain significance (3). Last evaluated 2023-02-23.

Conditions:
Autoinflammatory syndrome. Identifiers: Orphanet 93665, MedGen C3890737, MONDO:0019751.
Griscelli syndrome type 2 (GS2). Also called: GRISCELLI SYNDROME WITH HEMOPHAGOCYTIC SYNDROME; PAID SYNDROME; PARTIAL ALBINISM AND IMMUNODEFICIENCY SYNDROME. Identifiers: Orphanet 381, Orphanet 79477, MedGen C1868679, MONDO:0011872, OMIM 607624.

Allele frequency attached by ClinVar (database versions not stated): ExAC 0.00002; gnomAD exomes 0.00003 and 0.00006; gnomAD 0.00009 and 0.00010; ESP Exome Variant Server 0.00015; TOPMed 0.00024.
gnomAD v4.1: 65 of 1,613,690 alleles (0.004%); highest among the groups gnomAD compares: Middle Eastern, 0.033%; no homozygotes.

Submissions (3):

3billion
Classification: Uncertain significance for Griscelli syndrome type 2. Last evaluated: 2023-02-23. Review status: criteria provided, single submitter. Criteria: ACMG Guidelines, 2015. Collection method: clinical testing. Allele origin: unknown. Affected: yes.
Comment: The variant is observed at an extremely low frequency in the gnomAD v2.1.1 dataset (total allele frequency: 0.005%). In silico tool predictions suggest damaging effect of the variant on gene or gene product (REVEL: 0.67; 3Cnet: 0.34). Therefore, this variant is classified as VUS according to the recommendation of ACMG/AMP guideline.

Labcorp Genetics (formerly Invitae), Labcorp
Classification: Uncertain significance for Griscelli syndrome type 2. Last evaluated: 2022-10-13. Review status: criteria provided, single submitter. Criteria: Invitae Variant Classification Sherloc (09022015). Collection method: clinical testing. Allele origin: germline.
Comment: This sequence change replaces alanine, which is neutral and non-polar, with valine, which is neutral and non-polar, at codon 92 of the RAB27A protein (p.Ala92Val). This variant is present in population databases (rs137960099, gnomAD 0.008%). This variant has not been reported in the literature in individuals affected with RAB27A-related conditions. ClinVar contains an entry for this variant (Variation ID: 566199). Advanced modeling of protein sequence and biophysical properties (such as structural, functional, and spatial information, amino acid conservation, physicochemical variation, residue mobility, and thermodynamic stability) performed at Invitae indicates that this missense variant is expected to disrupt RAB27A protein function. In summary, the available evidence is currently insufficient to determine the role of this variant in disease. Therefore, it has been classified as a Variant of Uncertain Significance.

Genome Diagnostics Laboratory, The Hospital for Sick Children
Classification: Uncertain significance for Autoinflammatory syndrome. Last evaluated: 2021-06-04. Review status: criteria provided, single submitter. Criteria: ACMG Guidelines, 2015. Collection method: clinical testing. Allele origin: germline. Affected: yes.